The following is an entry in ClinVar:

NM_000368.5(TSC1):c.2688C>T (p.Leu896=)

Gene: TSC1 (TSC complex subunit 1; minus strand). Cytogenetic location: 9q34.13.
Variant type: single nucleotide variant.
Coding change: c.2688C>T on transcript NM_000368.5 (MANE Select); coding-DNA position 2688, C replaced by T.
Protein change: p.Leu896=; no amino-acid change (leucine 896 retained).
Molecular consequence: synonymous variant. On other transcripts: non-coding transcript variant (5).
Genome position (GRCh38, 1-based): chr9:132,897,548, G>A on the plus strand (C>T on the coding strand, the complement: TSC1 is on the minus strand). VCF-style: chr9-132897548-G-A. GRCh37 (hg19) VCF-style: chr9-135772935-G-A.
Other names: c.2685C>T, p.Leu895= (NM_001162426.2, NM_001406597.1, NM_001406598.1 and 2 more transcripts); c.2535C>T, p.Leu845= (NM_001162427.2, NM_001406610.1); c.2325C>T, p.Leu775= (NM_001362177.2, NM_001406614.1, NM_001406615.1 and 4 more transcripts); c.2688C>T, p.Leu896= (NM_001406592.1, NM_001406593.1, NM_001406594.1 and 2 more transcripts); c.2673C>T, p.Leu891= (NM_001406601.1, NM_001406602.1); c.2670C>T, p.Leu890= (NM_001406603.1, NM_001406604.1); c.2646C>T, p.Leu882= (NM_001406605.1, NM_001406606.1, NM_001406607.1); c.2643C>T, p.Leu881= (NM_001406608.1, NM_001406609.1); and 8 more.
Identifiers: ClinVar variation 2625209 (VCV002625209.5), dbSNP rs2131636756, ClinGen allele CA467813030.

ClinVar aggregate classification (germline): Benign/Likely benign. Review status: criteria provided, multiple submitters, no conflicts (2 of 4 stars). 3 submissions from 3 submitters: Benign (1); Likely benign (2). Last evaluated 2025-04-29.

Conditions:
Hereditary cancer-predisposing syndrome. Also called: Tumor predisposition; Neoplastic Syndromes, Hereditary; Hereditary Cancer Syndrome; Hereditary neoplastic syndrome. Identifiers: Orphanet 140162, MedGen C0027672, MeSH D009386, MONDO:0015356.
Tuberous sclerosis 1 (TSC1). Identifiers: Orphanet 805, MedGen C1854465, MONDO:0008612, OMIM 191100.

Submissions (3):

Myriad Genetics, Inc.
Classification: Benign for Tuberous sclerosis 1. Last evaluated: 2025-04-29. Review status: criteria provided, single submitter. Criteria: Myriad Autosomal Dominant, Autosomal Recessive and X-Linked Classification Criteria (2023). Collection method: clinical testing. Allele origin: unknown.
Comment: This variant is considered benign. This variant is a silent/synonymous amino acid change and it is not expected to impact splicing.

Labcorp Genetics (formerly Invitae), Labcorp
Classification: Likely benign for Tuberous sclerosis 1. Last evaluated: 2024-08-22. Review status: criteria provided, single submitter. Criteria: Invitae Variant Classification Sherloc (09022015). Collection method: clinical testing. Allele origin: germline.

Ambry Genetics
Classification: Likely benign for Hereditary cancer-predisposing syndrome. Last evaluated: 2023-08-26. Review status: criteria provided, single submitter. Criteria: Ambry Variant Classification Scheme 2023. Collection method: clinical testing. Allele origin: germline.